The following is an entry in ClinVar:

ClinVar aggregate classification (germline): Conflicting classifications of pathogenicity. Review status: criteria provided, conflicting classifications (1 of 4 stars). 4 submissions from 4 submitters: Pathogenic (1); Likely pathogenic (1); Uncertain significance (2). Last evaluated 2024-11-18.

Conditions:
CYP21A2-related disorder. Also called: CYP21A2-related condition.
Congenital adrenal hyperplasia. Identifiers: Orphanet 418, MedGen C0001627, MONDO:0018479, HP:0008258.
21-Hydroxylase-Deficient Congenital Adrenal Hyperplasia. Also called: ADRENAL HYPERPLASIA, CONGENITAL, DUE TO 21-HYDROXYLASE DEFICIENCY; ADRENAL HYPERPLASIA III. Identifiers: MedGen C2936858, OMIM 201910.

Allele frequency attached by ClinVar (database versions not stated): gnomAD 0.00015 and 0.00016.

Submissions (4):

Quest Diagnostics Nichols Institute San Juan Capistrano
Classification: Uncertain significance. Last evaluated: 2024-11-18. Review status: criteria provided, single submitter. Criteria: Quest Diagnostics criteria. Collection method: clinical testing. Allele origin: unknown.
Comment: The CYP21A2 c.1099C>T (p.Arg367Cys) variant has been reported in the published literature in trans in an individual with non-classic CAH (PMID: 16788163 (2006)). An in vitro assay of enzyme activity showed that this variant has 37% and 28% remaining activity on the substrates 17-OHP and progesterone, respectively, which is consistent with the observed non-classic phenotype (PMID: 24953648 (2015)). The frequency of this variant in the general population, 0.0017 (42/24740 chromosomes (Genome Aggregation Database)), is uninformative in the assessment of its pathogenicity. Analysis of this variant using bioinformatics tools for the prediction of the effect of amino acid changes on protein structure and function yielded predictions that this variant is benign. Based on the available information, we are unable to determine the clinical significance of this variant.

PreventionGenetics, part of Exact Sciences
Classification: Pathogenic for CYP21A2-related condition. Last evaluated: 2024-10-25. Review status: criteria provided, single submitter. Criteria: ACMG Guidelines, 2015. Collection method: clinical testing. Allele origin: germline.
Comment: The CYP21A2 c.1099C>T variant is predicted to result in the amino acid substitution p.Arg367Cys. As known as Arg366Cys in the literature, this variant has been reported with the well-documented non-classic congenital adrenal hyperplasia (CAH) associated variant c.844G>T (p.Val282Leu) (aka V281L) in an individual with non-classic CAH due to reduced enzyme activity (Barbaro et al. 2015. PubMed ID: 24953648). However, conflicting evidence exists in the literature regarding the severity of this variant (Barbaro et al. 2015. PubMed ID: 24953648; Haider et al. 2013. PubMed ID: 23359706; Robins et al. 2006. PubMed ID: 16788163). At PreventionGenetics, we have also seen this variant with other pathogenic variants in patients with CAH (Internal Data). This variant is reported in 0.17% of alleles in individuals of European (Finnish) descent in gnomAD. This variant falls within a highly paralogous region. Allele frequency data should be interpreted with caution. This variant is interpreted as pathogenic.

Women's Health and Genetics/Laboratory Corporation of America, LabCorp
Classification: Likely pathogenic for Congenital adrenal hyperplasia. Last evaluated: 2022-03-02. Review status: criteria provided, single submitter. Criteria: LabCorp Variant Classification Summary - May 2015. Collection method: clinical testing. Allele origin: germline.
Comment: Variant summary: CYP21A2 c.1099C>T (p.Arg367Cys) results in a non-conservative amino acid change in the encoded protein sequence. Three of five in-silico tools predict a benign effect of the variant on protein function. The variant allele was found at a frequency of 0.00026 in 248740 control chromosomes in the gnomAD database, including 1 homozygote. This frequency is not significantly higher than expected for a pathogenic variant in CYP21A2 causing Congenital Adrenal Hyperplasia (0.00026 vs 0.002), allowing no conclusion about variant significance. c.1099C>T has been reported in the literature as a compound heterozygous genotype in individuals affected with non-classical congenital adrenal hyperplasia (CAH) and supported by EMQN best practice guidelines for reporting 21-hydroxylase deficiency (example, Barbaro_2015, Khttab_2016, Baumgartner-Parzer_2020). These data indicate that the variant is likely to be associated with disease. At least one publication reports experimental evidence evaluating an impact on protein function (example, Barbaro_2015). The most pronounced variant effect results in 13% of normal activity (reflected by Vmax, as the kinetic constant) in vitro using progesterone as the natural substrate. No clinical diagnostic laboratories have submitted clinical-significance assessments for this variant to ClinVar after 2014. Based on the evidence outlined above, the variant was classified as likely pathogenic.

Institute of Medical Genetics and Genomics, Sir Ganga Ram Hospital
Classification: Uncertain significance for 21-Hydroxylase-Deficient Congenital Adrenal Hyperplasia. Last evaluated: 2021-03-10. Review status: criteria provided, single submitter. Criteria: ACMG Guidelines, 2015. Collection method: clinical testing. Allele origin: germline. Affected: no. Observed: 1 variant allele.

Literature cited by the submitters: PubMed 32616876 (cited by Quest Diagnostics Nichols Institute San Juan Capistrano and Women's Health and Genetics/Laboratory Corporation of America, LabCorp); PubMed 24953648 (cited by Quest Diagnostics Nichols Institute San Juan Capistrano and Women's Health and Genetics/Laboratory Corporation of America, LabCorp); PubMed 27966633 (cited by Quest Diagnostics Nichols Institute San Juan Capistrano); PubMed 16788163 (cited by Quest Diagnostics Nichols Institute San Juan Capistrano); PubMed 28476231 (cited by Quest Diagnostics Nichols Institute San Juan Capistrano); PubMed 27703146 (cited by Quest Diagnostics Nichols Institute San Juan Capistrano); PubMed 23359706 (cited by Women's Health and Genetics/Laboratory Corporation of America, LabCorp); PubMed 26291314 (cited by Women's Health and Genetics/Laboratory Corporation of America, LabCorp); PubMed 23359698 (cited by Institute of Medical Genetics and Genomics, Sir Ganga Ram Hospital); PubMed 33552137 (cited by Institute of Medical Genetics and Genomics, Sir Ganga Ram Hospital); PubMed 30611409 (cited by Institute of Medical Genetics and Genomics, Sir Ganga Ram Hospital); PubMed 29035424 (cited by Institute of Medical Genetics and Genomics, Sir Ganga Ram Hospital).

NM_000500.9(CYP21A2):c.1099C>T (p.Arg367Cys)

Genes: CYP21A2 (cytochrome P450 family 21 subfamily A member 2; plus strand), LOC106780800 (CYP21A2 recombination region; plus strand). Cytogenetic location: 6p21.33.
Variant type: single nucleotide variant.
Coding change: c.1099C>T on transcript NM_000500.9 (MANE Select); coding-DNA position 1099, C replaced by T.
Protein change: p.Arg367Cys; replaces arginine 367 with cysteine.
Molecular consequence: missense variant.
Genome position (GRCh38, 1-based): chr6:32,040,565, C>T. VCF-style: chr6-32040565-C-T. GRCh37 (hg19) VCF-style: chr6-32008342-C-T.
Other names: (p.Arg367Cys); c.1099C>T (NM_000500.7); c.1009C>T, p.Arg337Cys (NM_001128590.4); c.694C>T, p.Arg232Cys (NM_001368143.2, NM_001368144.2); short protein forms R232C, R337C, R367C.
Identifiers: ClinVar variation 1675320 (VCV001675320.5), dbSNP rs758658540, ClinGen allele CA3732631.